The following is an entry in ClinVar:

NM_014244.5(ADAMTS2):c.847G>A (p.Gly283Arg)

Gene: ADAMTS2 (ADAM metallopeptidase with thrombospondin type 1 motif 2; minus strand). Cytogenetic location: 5q35.3.
Variant type: single nucleotide variant.
Coding change: c.847G>A on transcript NM_014244.5 (MANE Select); coding-DNA position 847, G replaced by A.
Protein change: p.Gly283Arg; replaces glycine 283 with arginine.
Molecular consequence: missense variant.
Genome position (GRCh38, 1-based): chr5:179,207,557, C>T on the plus strand (G>A on the coding strand, the complement: ADAMTS2 is on the minus strand). VCF-style: chr5-179207557-C-T. GRCh37 (hg19) VCF-style: chr5-178634558-C-T.
Other names: c.847G>A, p.Gly283Arg (NM_021599.4); short protein forms G283R.
Identifiers: ClinVar variation 432468 (VCV000432468.15), dbSNP rs376856341, ClinGen allele CA3596146.
Genomic context (GRCh38, chr5:179,207,557, plus strand): 5'-CAGCCACCCCACTCACAATGTTCATGAGTGTCAGCAGGTACTTCTGTACGTGCTCCTTCC[C>T]GTGGAACTGCACCACAGAGTCATCCACGCCCAGCAGGACCTCGATGTTGTAGTCATCGTC-3'
Protein context (NP_055059.2, residues 273-293): GVDDSVVQFH[Gly283Arg]KEHVQKYLLT

ClinVar aggregate classification (germline): Uncertain significance. Review status: criteria provided, multiple submitters, no conflicts (2 of 4 stars). 5 submissions from 5 submitters: Uncertain significance (4). 1 of the submissions does not count toward it. Last evaluated 2026-04-21.

Conditions:
Ehlers-Danlos syndrome, dermatosparaxis type. Also called: Dermatosparaxis; Ehlers-Danlos syndrome, type VII, autosomal recessive; EDS VIIC. Identifiers: Orphanet 1901, MedGen C2700425, MONDO:0009161, OMIM 225410.

Allele frequency attached by ClinVar (database versions not stated): gnomAD 0.00004 and 0.00005; ESP Exome Variant Server 0.00008; 1000 Genomes Project 30x 0.00016; 1000 Genomes Project 0.00020.
gnomAD v4.1: 159 of 1,613,594 alleles (0.0099%); highest among the groups gnomAD compares: Middle Eastern, 0.082%; no homozygotes.

Submissions (5):

Women's Health and Genetics/Laboratory Corporation of America, LabCorp
Classification: Uncertain significance. Last evaluated: 2026-04-21. Review status: criteria provided, single submitter. Criteria: LabCorp Variant Classification Summary - May 2015. Collection method: clinical testing. Allele origin: germline.
Comment: Variant summary: ADAMTS2 c.847G>A (p.Gly283Arg) results in a non-conservative amino acid change in the encoded protein sequence. Algorithms developed to predict the effect of missense changes on protein structure and function all suggest that this variant is likely to be disruptive. The variant allele was found at a frequency of 8.4e-05 in 251276 control chromosomes. This frequency is not significantly higher than estimated for disease-causing variants in ADAMTS2, allowing no conclusion about variant significance. To our knowledge, no occurrence of c.847G>A in individuals affected with ADAMTS2-related conditions and no experimental evidence demonstrating its impact on protein function have been reported. ClinVar contains an entry for this variant (Variation ID: 432468). Based on the evidence outlined above, the variant was classified as uncertain significance.

GeneDx
Classification: Uncertain significance. Last evaluated: 2025-04-08. Review status: criteria provided, single submitter. Criteria: GeneDx Variant Classification Process June 2021. Collection method: clinical testing. Allele origin: germline. Affected: yes.
Comment: Not observed at significant frequency in large population cohorts (gnomAD); In silico analysis supports that this missense variant has a deleterious effect on protein structure/function; Has not been previously published as pathogenic or benign to our knowledge

Labcorp Genetics (formerly Invitae), Labcorp
Classification: Uncertain significance for Ehlers-Danlos syndrome, dermatosparaxis type. Last evaluated: 2022-07-19. Review status: criteria provided, single submitter. Criteria: Invitae Variant Classification Sherloc (09022015). Collection method: clinical testing. Allele origin: germline.
Comment: This sequence change replaces glycine, which is neutral and non-polar, with arginine, which is basic and polar, at codon 283 of the ADAMTS2 protein (p.Gly283Arg). This variant is present in population databases (rs376856341, gnomAD 0.01%). This variant has not been reported in the literature in individuals affected with ADAMTS2-related conditions. ClinVar contains an entry for this variant (Variation ID: 432468). Algorithms developed to predict the effect of missense changes on protein structure and function are either unavailable or do not agree on the potential impact of this missense change (SIFT: "Deleterious"; PolyPhen-2: "Possibly Damaging"; Align-GVGD: "Class C0"). Algorithms developed to predict the effect of sequence changes on RNA splicing suggest that this variant may create or strengthen a splice site. In summary, the available evidence is currently insufficient to determine the role of this variant in disease. Therefore, it has been classified as a Variant of Uncertain Significance.

Illumina Laboratory Services, Illumina
Classification: Uncertain significance for Ehlers-Danlos syndrome, dermatosparaxis type. Last evaluated: 2018-01-12. Review status: criteria provided, single submitter. Criteria: ICSL Variant Classification Criteria 13 December 2019. Collection method: clinical testing. Allele origin: germline.

Natera, Inc.
Classification: Uncertain significance for Ehlers-Danlos syndrome type VIIC. Last evaluated: 2019-10-28. Review status: no assertion criteria provided. Collection method: clinical testing. Allele origin: germline. Not counted in ClinVar's aggregate classification.